The following is an entry in ClinVar:

NM_000093.5(COL5A1):c.388C>G (p.Leu130Val)

Gene: COL5A1 (collagen type V alpha 1 chain; plus strand). Cytogenetic location: 9q34.3.
Variant type: single nucleotide variant.
Coding change: c.388C>G on transcript NM_000093.5 (MANE Select); coding-DNA position 388, C replaced by G.
Protein change: p.Leu130Val; replaces leucine 130 with valine.
Molecular consequence: missense variant.
Genome position (GRCh38, 1-based): chr9:134,700,019, C>G. VCF-style: chr9-134700019-C-G. GRCh37 (hg19) VCF-style: chr9-137591865-C-G.
Other names: c.388C>G, p.Leu130Val (NM_001278074.1); short protein forms L130V.
Identifiers: ClinVar variation 1718678 (VCV001718678.6), dbSNP rs2491264031, ClinGen allele CA375442900.

ClinVar aggregate classification (germline): Uncertain significance (1 of 4 stars; one submission).

Conditions:
Ehlers-Danlos syndrome, classic type, 1 (EDSCL1). Also called: EDS I; Ehlers-Danlos syndrome, type 1; EHLERS-DANLOS SYNDROME, GRAVIS TYPE; EHLERS-DANLOS SYNDROME, SEVERE CLASSIC TYPE; Ehlers-Danlos Syndrome, Classic Type, COL5A1-Related. Identifiers: MedGen C0268335, MONDO:0019567, OMIM 130000.

Submission:

Labcorp Genetics (formerly Invitae), Labcorp
Classification: Uncertain significance for Ehlers-Danlos syndrome, classic type, 1. Last evaluated: 2022-09-02. Review status: criteria provided, single submitter. Criteria: Invitae Variant Classification Sherloc (09022015). Collection method: clinical testing. Allele origin: germline.
Comment: In summary, the available evidence is currently insufficient to determine the role of this variant in disease. Therefore, it has been classified as a Variant of Uncertain Significance. Advanced modeling of protein sequence and biophysical properties (such as structural, functional, and spatial information, amino acid conservation, physicochemical variation, residue mobility, and thermodynamic stability) performed at Invitae indicates that this missense variant is not expected to disrupt COL5A1 protein function. This variant has not been reported in the literature in individuals affected with COL5A1-related conditions. This variant is not present in population databases (gnomAD no frequency). This sequence change replaces leucine, which is neutral and non-polar, with valine, which is neutral and non-polar, at codon 130 of the COL5A1 protein (p.Leu130Val).